The following is an entry in ClinVar:

NM_001271.4(CHD2):c.2785_2801delinsTG (p.Ala929_Val934delinsTer)

Gene: CHD2 (chromodomain helicase DNA binding protein 2; plus strand). Cytogenetic location: 15q26.1.
Variant type: Indel.
Coding change: c.2785_2801delinsTG on transcript NM_001271.4 (MANE Select); coding-DNA positions 2785 to 2801, GCCAAAAAGAAGATGGT replaced by TG.
Protein change: p.Ala929_Val934delinsTer.
Molecular consequence: nonsense.
Genome position (GRCh38, 1-based): chr15:92,979,192-92,979,208, GCCAAAAAGAAGATGGT replaced by TG. VCF-style: chr15-92979192-GCCAAAAAGAAGATGGT-TG. GRCh37 (hg19) VCF-style: chr15-93522422-GCCAAAAAGAAGATGGT-TG.
Identifiers: ClinVar variation 541361 (VCV000541361.6), dbSNP rs1555442889, ClinGen allele CA658798441.

ClinVar aggregate classification (germline): Pathogenic (1 of 4 stars; one submission).

Conditions:
Developmental and epileptic encephalopathy 94 (DEE94). Also called: CHD2-Related Neurodevelopmental Disorders; Epileptic encephalopathy, childhood-onset. Identifiers: Orphanet 1942, Orphanet 2382, MedGen C3809278, MONDO:0014150, OMIM 615369.

Submission:

Labcorp Genetics (formerly Invitae), Labcorp
Classification: Pathogenic for Developmental and epileptic encephalopathy 94. Last evaluated: 2017-08-21. Review status: criteria provided, single submitter. Criteria: Invitae Variant Classification Sherloc (09022015). Collection method: clinical testing. Allele origin: germline.
Comment: This variant is not present in population databases (ExAC no frequency). This sequence change creates a premature translational stop signal (p.Ala929*) in the CHD2 gene. It is expected to result in an absent or disrupted protein product. For these reasons, this variant has been classified as Pathogenic. Loss-of-function variants in CHD2 are known to be pathogenic (PMID: 23708187, 24207121). This variant has not been reported in the literature in individuals with CHD2-related disease.

Literature cited by the submitters: PubMed 23708187; PubMed 24207121.